The following is an entry in ClinVar:

NM_001366722.1(GRIP1):c.2432G>A (p.Gly811Glu)

Gene: GRIP1 (glutamate receptor interacting protein 1; minus strand). Cytogenetic location: 12q14.3.
Variant type: single nucleotide variant.
Coding change: c.2432G>A on transcript NM_001366722.1 (MANE Select); coding-DNA position 2432, G replaced by A.
Protein change: p.Gly811Glu; replaces glycine 811 with glutamic acid.
Molecular consequence: missense variant.
Genome position (GRCh38, 1-based): chr12:66,392,340, C>T on the plus strand (G>A on the coding strand, the complement: GRIP1 is on the minus strand). VCF-style: chr12-66392340-C-T. GRCh37 (hg19) VCF-style: chr12-66786120-C-T.
Other names: c.2276G>A, p.Gly759Glu (NM_001178074.2, NM_001379351.1, NM_021150.4); c.2351G>A, p.Gly784Glu (NM_001366723.1, NM_001379348.1); c.2354G>A, p.Gly785Glu (NM_001366724.1, NM_001379347.1); c.2510G>A, p.Gly837Glu (NM_001379345.1); c.2432G>A, p.Gly811Glu (NM_001379346.1); c.2279G>A, p.Gly760Glu (NM_001379349.1); c.2276G>A (NM_021150.3); short protein forms G759E, G760E, G784E, G785E, G811E, G837E.
Identifiers: ClinVar variation 3575184 (VCV003575184.2).

ClinVar aggregate classification (germline): Uncertain significance. Review status: criteria provided, multiple submitters, no conflicts (2 of 4 stars). 2 submissions from 2 submitters: Uncertain significance (2). Last evaluated 2025-05-09.

Conditions:
Fraser syndrome 3. Identifiers: MedGen C4540040, MONDO:0054739, OMIM 617667.

gnomAD v4.1: 15 of 1,612,494 alleles (0.00093%); highest among the groups gnomAD compares: African/African-American, 0.0067%; no homozygotes.

Submissions (2):

GeneDx
Classification: Uncertain significance. Last evaluated: 2025-05-09. Review status: criteria provided, single submitter. Criteria: GeneDx Variant Classification Process June 2021. Collection method: clinical testing. Allele origin: germline. Affected: yes.
Comment: In silico analysis supports that this missense variant has a deleterious effect on protein structure/function; Has not been previously published as pathogenic or benign to our knowledge

Fulgent Genetics
Classification: Uncertain significance for Fraser syndrome 3. Last evaluated: 2024-03-18. Review status: criteria provided, single submitter. Criteria: ACMG Guidelines, 2015. Collection method: clinical testing. Allele origin: germline.